The following is an entry in ClinVar:

ClinVar aggregate classification (germline): Conflicting classifications of pathogenicity. Review status: criteria provided, conflicting classifications (1 of 4 stars). 2 submissions from 2 submitters: Uncertain significance (1); Likely benign (1). Last evaluated 2022-08-15.

Allele frequency attached by ClinVar (database versions not stated): ExAC 0.00002; gnomAD exomes 0.00005; ESP Exome Variant Server 0.00015; gnomAD 0.00015 and 0.00016; TOPMed 0.00024.
gnomAD v4.1: 73 of 1,613,962 alleles (0.0045%); highest among the groups gnomAD compares: African/African-American, 0.032%; no homozygotes.

Submissions (2):

Labcorp Genetics (formerly Invitae), Labcorp
Classification: Uncertain significance. Last evaluated: 2022-08-15. Review status: criteria provided, single submitter. Criteria: Invitae Variant Classification Sherloc (09022015). Collection method: clinical testing. Allele origin: germline.
Comment: In summary, the available evidence is currently insufficient to determine the role of this variant in disease. Therefore, it has been classified as a Variant of Uncertain Significance. Algorithms developed to predict the effect of missense changes on protein structure and function output the following: SIFT: "Tolerated"; PolyPhen-2: "Benign"; Align-GVGD: "Class C0". The leucine amino acid residue is found in multiple mammalian species, which suggests that this missense change does not adversely affect protein function. ClinVar contains an entry for this variant (Variation ID: 835612). This variant has not been reported in the literature in individuals affected with CLCC1-related conditions. This variant is present in population databases (rs201503270, gnomAD 0.04%). This sequence change replaces proline, which is neutral and non-polar, with leucine, which is neutral and non-polar, at codon 483 of the CLCC1 protein (p.Pro483Leu).

Ambry Genetics
Classification: Likely benign. Last evaluated: 2021-09-15. Review status: criteria provided, single submitter. Criteria: Ambry Variant Classification Scheme 2023. Collection method: clinical testing. Allele origin: germline.

NM_001377458.1(CLCC1):c.1448C>T (p.Pro483Leu)

Gene: CLCC1 (chloride channel CLIC like 1; minus strand). Cytogenetic location: 1p13.3.
Variant type: single nucleotide variant.
Coding change: c.1448C>T on transcript NM_001377458.1 (MANE Select); coding-DNA position 1448, C replaced by T.
Protein change: p.Pro483Leu; replaces proline 483 with leucine.
Molecular consequence: missense variant. On other transcripts: non-coding transcript variant (1).
Genome position (GRCh38, 1-based): chr1:108,934,878, G>A on the plus strand (C>T on the coding strand, the complement: CLCC1 is on the minus strand). VCF-style: chr1-108934878-G-A. GRCh37 (hg19) VCF-style: chr1-109477500-G-A.
Other names: c.1448C>T, p.Pro483Leu (NM_001048210.3, NM_001377459.1, NM_001377460.1 and 8 more transcripts); c.1085C>T, p.Pro362Leu (NM_001278202.2); c.893C>T, p.Pro298Leu (NM_001278203.1); c.1346C>T, p.Pro449Leu (NM_001377469.1); c.1157C>T, p.Pro386Leu (NM_001377470.1); c.1298C>T, p.Pro433Leu (NM_015127.5); c.1448C>T (NM_001048210.1); short protein forms P298L, P433L, P449L, P362L, P386L, P483L.
Identifiers: ClinVar variation 835612 (VCV000835612.6), dbSNP rs201503270, ClinGen allele CA983326.